The following is an entry in ClinVar:

NM_004588.5(SCN2B):c.152C>T (p.Thr51Ile)

Gene: SCN2B (sodium voltage-gated channel beta subunit 2; minus strand). Cytogenetic location: 11q23.3.
Variant type: single nucleotide variant.
Coding change: c.152C>T on transcript NM_004588.5 (MANE Select); coding-DNA position 152, C replaced by T.
Protein change: p.Thr51Ile; replaces threonine 51 with isoleucine.
Molecular consequence: missense variant.
Genome position (GRCh38, 1-based): chr11:118,168,670, G>A on the plus strand (C>T on the coding strand, the complement: SCN2B is on the minus strand). VCF-style: chr11-118168670-G-A. GRCh37 (hg19) VCF-style: chr11-118039385-G-A.
Other names: short protein forms T51I.
Identifiers: ClinVar variation 1414774 (VCV001414774.6), dbSNP rs765542447, ClinGen allele CA6300514.
Genomic context (GRCh38, chr11:118,168,670, plus strand): 5'-TCCTGGTAAGTCCAGTTCAGGGAGAACTGTTTGTGGTTCACTGTGTAGCAGGAGTTGAAG[G>A]TGCAGGGCAGGCGGGCGTCAGAGCCATTGAGGACGTTGAGGGTGGCAGGTACTGTGACCT-3'
Protein context (NP_004579.1, residues 41-61): LNGSDARLPC[Thr51Ile]FNSCYTVNHK

ClinVar aggregate classification (germline): Uncertain significance (1 of 4 stars; one submission).

Conditions:
Atrial fibrillation, familial, 14 (ATFB14). Identifiers: MedGen C3809312, MONDO:0014156, OMIM 615378.

Allele frequency attached by ClinVar (database versions not stated): ExAC 0.00002; gnomAD exomes 0.00002.
gnomAD v4.1: 33 of 1,614,244 alleles (0.002%); highest among the groups gnomAD compares: Non-Finnish European, 0.0028%; no homozygotes.

Submission:

Labcorp Genetics (formerly Invitae), Labcorp
Classification: Uncertain significance for Atrial fibrillation, familial, 14. Last evaluated: 2021-08-12. Review status: criteria provided, single submitter. Criteria: Invitae Variant Classification Sherloc (09022015). Collection method: clinical testing. Allele origin: germline.
Comment: This sequence change replaces threonine with isoleucine at codon 51 of the SCN2B protein (p.Thr51Ile). The threonine residue is moderately conserved and there is a moderate physicochemical difference between threonine and isoleucine. This variant is present in population databases (rs765542447, ExAC 0.003%). This variant has not been reported in the literature in individuals affected with SCN2B-related conditions. Algorithms developed to predict the effect of missense changes on protein structure and function (SIFT, PolyPhen-2, Align-GVGD) all suggest that this variant is likely to be tolerated. In summary, the available evidence is currently insufficient to determine the role of this variant in disease. Therefore, it has been classified as a Variant of Uncertain Significance.